The following is an entry in ClinVar:

ClinVar aggregate classification (germline): Uncertain significance (1 of 4 stars; one submission).

gnomAD v4.1: 1 of 1,605,664 alleles (0.000062%); highest among the groups gnomAD compares: East Asian, 0.0022%; no homozygotes.

Submission:

Labcorp Genetics (formerly Invitae), Labcorp
Classification: Uncertain significance. Last evaluated: 2025-06-08. Review status: criteria provided, single submitter. Criteria: Invitae Variant Classification Sherloc (09022015). Collection method: clinical testing. Allele origin: germline.
Comment: This sequence change replaces alanine, which is neutral and non-polar, with threonine, which is neutral and polar, at codon 1472 of the COL11A2 protein (p.Ala1472Thr). This variant is not present in population databases (gnomAD no frequency). This variant has not been reported in the literature in individuals affected with COL11A2-related conditions. Invitae Evidence Modeling of protein sequence and biophysical properties (such as structural, functional, and spatial information, amino acid conservation, physicochemical variation, residue mobility, and thermodynamic stability) indicates that this missense variant is not expected to disrupt COL11A2 protein function with a negative predictive value of 95%. In summary, the available evidence is currently insufficient to determine the role of this variant in disease. Therefore, it has been classified as a Variant of Uncertain Significance.

NM_080680.3(COL11A2):c.4414G>A (p.Ala1472Thr)

Gene: COL11A2 (collagen type XI alpha 2 chain; minus strand). Cytogenetic location: 6p21.32.
Variant type: single nucleotide variant.
Coding change: c.4414G>A on transcript NM_080680.3 (MANE Select); coding-DNA position 4414, G replaced by A.
Protein change: p.Ala1472Thr; replaces alanine 1472 with threonine.
Molecular consequence: missense variant.
Genome position (GRCh38, 1-based): chr6:33,166,185, C>T on the plus strand (G>A on the coding strand, the complement: COL11A2 is on the minus strand). VCF-style: chr6-33166185-C-T. GRCh37 (hg19) VCF-style: chr6-33133962-C-T.
Other names: c.4234G>A, p.Ala1412Thr (NM_001424108.1); c.3568G>A, p.Ala1190Thr (NM_001424109.1); c.3388G>A, p.Ala1130Thr (NM_001424110.1, NM_001424111.1); c.2368G>A, p.Ala790Thr (NM_001424112.1); c.4093G>A, p.Ala1365Thr (NM_080679.3); c.4156G>A, p.Ala1386Thr (NM_080681.3); short protein forms A1386T, A1472T, A790T, A1130T, A1190T, A1365T, A1412T.
Identifiers: ClinVar variation 4762676 (VCV004762676.1).